The following is an entry in ClinVar:

ClinVar aggregate classification (germline): Conflicting classifications of pathogenicity. Review status: criteria provided, conflicting classifications (1 of 4 stars). 4 submissions from 4 submitters: Uncertain significance (2); Likely benign (2). Last evaluated 2025-12-08.

Conditions:
Hereditary cancer-predisposing syndrome. Also called: Hereditary Cancer Syndrome; Neoplastic Syndromes, Hereditary; Tumor predisposition; Hereditary neoplastic syndrome. Identifiers: Orphanet 140162, MedGen C0027672, MeSH D009386, MONDO:0015356.
Familial melanoma. Also called: Hereditary melanoma; Hereditary cutaneous melanoma. Identifiers: Orphanet 618, MedGen C1512419, MONDO:0018961.

Allele frequency attached by ClinVar (database versions not stated): gnomAD exomes below 0.00001; TOPMed 0.00001.
gnomAD v4.1: 2 of 1,614,162 alleles (0.00012%); highest among the groups gnomAD compares: East Asian, 0.0022%; no homozygotes.

Submissions (4):

Labcorp Genetics (formerly Invitae), Labcorp
Classification: Likely benign for Familial melanoma. Last evaluated: 2025-12-08. Review status: criteria provided, single submitter. Criteria: Invitae Variant Classification Sherloc (09022015). Collection method: clinical testing. Allele origin: germline.

Women's Health and Genetics/Laboratory Corporation of America, LabCorp
Classification: Uncertain significance. Last evaluated: 2025-09-23. Review status: criteria provided, single submitter. Criteria: LabCorp Variant Classification Summary - May 2015. Collection method: clinical testing. Allele origin: germline.
Comment: Variant summary: CDKN2A c.150+8G>A alters a nucleotide located at a position not widely known to affect splicing. Several computational tools predict a significant impact on normal splicing: Two predict the variant creates a cryptic 5' donor site. However, these predictions have yet to be confirmed by functional studies. The variant allele was found at a frequency of 4e-06 in 250174 control chromosomes. The available data on variant occurrences in the general population are insufficient to allow any conclusion about variant significance. To our knowledge, no occurrence of c.150+8G>A in individuals affected with CDKN2A-related conditions and no experimental evidence demonstrating its impact on protein function have been reported. ClinVar contains an entry for this variant (Variation ID: 509451). Based on the evidence outlined above, the variant was classified as uncertain significance.

Color Diagnostics, LLC DBA Color Health
Classification: Uncertain significance for Hereditary cancer-predisposing syndrome. Last evaluated: 2019-04-09. Review status: criteria provided, single submitter. Criteria: ACMG Guidelines, 2015. Collection method: clinical testing. Allele origin: germline.

GeneDx
Classification: Likely benign. Last evaluated: 2017-05-08. Review status: criteria provided, single submitter. Criteria: GeneDx Variant Classification (06012015). Collection method: clinical testing. Allele origin: germline. Affected: yes.
Comment: This variant is considered likely benign or benign based on one or more of the following criteria: it is a conservative change, it occurs at a poorly conserved position in the protein, it is predicted to be benign by multiple in silico algorithms, and/or has population frequency not consistent with disease.

NM_000077.5(CDKN2A):c.150+8G>A

Gene: CDKN2A (cyclin dependent kinase inhibitor 2A; minus strand). Cytogenetic location: 9p21.3.
Variant type: single nucleotide variant.
Coding change: c.150+8G>A on transcript NM_000077.5 (MANE Select); 8 bases into the intron after coding-DNA position 150, G replaced by A.
Molecular consequence: intron variant. On other transcripts: missense variant (1).
Genome position (GRCh38, 1-based): chr9:21,974,670, C>T on the plus strand (G>A on the coding strand, the complement: CDKN2A is on the minus strand). VCF-style: chr9-21974670-C-T. GRCh37 (hg19) VCF-style: chr9-21974669-C-T.
Other names: c.158G>A, p.Arg53Lys (NM_058197.5); c.-3-3462G>A (NM_001363763.2); c.194-3462G>A (NM_058195.4); c.150+8G>A (NM_001195132.2); short protein forms R53K.
Identifiers: ClinVar variation 509451 (VCV000509451.13), dbSNP rs1419306566, ClinGen allele CA587106890.
Genomic context (GRCh38, chr9:21,974,670, plus strand): 5'-TCCCCTGCAAACTTCGTCCTCCAGAGTCGCCCGCCATCCCCTGCTCCCGCTGCAGACCCT[C>T]TACCCACCTGGATCGGCCTCCGACCGTAACTATTCGGTGCGTTGGGCAGCGCCCCCGCCT-3'